The following is an entry in ClinVar:

ClinVar aggregate classification (germline): Uncertain significance (1 of 4 stars; one submission).

Submission:

GeneDx
Classification: Uncertain significance. Last evaluated: 2025-05-28. Review status: criteria provided, single submitter. Criteria: GeneDx Variant Classification Process June 2021. Collection method: clinical testing. Allele origin: germline. Affected: yes.
Comment: Not observed at significant frequency in large population cohorts (gnomAD); In silico analysis suggests that this missense variant does not alter protein structure/function; Has not been previously published as pathogenic or benign to our knowledge

NM_205861.3(DHDDS):c.866G>A (p.Ser289Asn)

Gene: DHDDS (dehydrodolichyl diphosphate synthase subunit; plus strand). Cytogenetic location: 1p36.11.
Variant type: single nucleotide variant.
Coding change: c.866G>A on transcript NM_205861.3 (MANE Select); coding-DNA position 866, G replaced by A.
Protein change: p.Ser289Asn; replaces serine 289 with asparagine.
Molecular consequence: missense variant.
Genome position (GRCh38, 1-based): chr1:26,468,995, G>A. VCF-style: chr1-26468995-G-A. GRCh37 (hg19) VCF-style: chr1-26795486-G-A.
Other names: c.764G>A, p.Ser255Asn (NM_001243564.2); c.749G>A, p.Ser250Asn (NM_001243565.2); c.587G>A, p.Ser196Asn (NM_001319959.2); c.869G>A, p.Ser290Asn (NM_024887.4); short protein forms S196N, S250N, S255N, S289N, S290N.
Identifiers: ClinVar variation 4532674 (VCV004532674.1).